The following is an entry in ClinVar:

ClinVar aggregate classification (germline): Uncertain significance. Review status: criteria provided, multiple submitters, no conflicts (2 of 4 stars). 3 submissions from 3 submitters: Uncertain significance (3). Last evaluated 2026-07-06.

Conditions:
Hereditary cancer-predisposing syndrome. Also called: Neoplastic Syndromes, Hereditary; Hereditary neoplastic syndrome; Hereditary Cancer Syndrome; Tumor predisposition. Identifiers: Orphanet 140162, MedGen C0027672, MeSH D009386, MONDO:0015356.
Hereditary diffuse gastric adenocarcinoma (HDGC). Also called: DIFFUSE GASTRIC AND LOBULAR BREAST CANCER SYNDROME. Identifiers: Orphanet 26106, MedGen C1708349, MONDO:0007648, OMIM 137215.

Submissions (3):

Ambry Genetics
Classification: Uncertain significance for Hereditary cancer-predisposing syndrome. Last evaluated: 2026-07-06. Review status: criteria provided, single submitter. Criteria: Ambry Variant Classification Scheme 2023. Collection method: clinical testing. Allele origin: germline.
Comment: The p.V365I variant (also known as c.1093G>A), located in coding exon 8 of the CDH1 gene, results from a G to A substitution at nucleotide position 1093. The valine at codon 365 is replaced by isoleucine, an amino acid with highly similar properties. This amino acid position is conserved. In addition, this alteration is predicted to be tolerated by in silico analysis. Based on the available evidence, the clinical significance of this variant remains unclear.

Color Diagnostics, LLC DBA Color Health
Classification: Uncertain significance for Hereditary cancer-predisposing syndrome. Last evaluated: 2025-02-03. Review status: criteria provided, single submitter. Criteria: ACMG Guidelines, 2015. Collection method: clinical testing. Allele origin: germline.
Comment: This missense variant replaces valine with isoleucine at codon 365 of the CDH1 protein. To our knowledge, functional studies have not been reported for this variant. This variant has not been reported in individuals affected with CDH1-related disorders in the literature. This variant has not been identified in the general population by the Genome Aggregation Database (gnomAD). The available evidence is insufficient to determine the role of this variant in disease conclusively. Therefore, this variant is classified as a Variant of Uncertain Significance.

Labcorp Genetics (formerly Invitae), Labcorp
Classification: Uncertain significance for Hereditary diffuse gastric adenocarcinoma. Last evaluated: 2022-10-21. Review status: criteria provided, single submitter. Criteria: Invitae Variant Classification Sherloc (09022015). Collection method: clinical testing. Allele origin: germline.
Comment: In summary, the available evidence is currently insufficient to determine the role of this variant in disease. Therefore, it has been classified as a Variant of Uncertain Significance. Algorithms developed to predict the effect of missense changes on protein structure and function output the following: SIFT: "Deleterious"; PolyPhen-2: "Benign"; Align-GVGD: "Class C25". The isoleucine amino acid residue is found in multiple mammalian species, which suggests that this missense change does not adversely affect protein function. ClinVar contains an entry for this variant (Variation ID: 489845). This variant has not been reported in the literature in individuals affected with CDH1-related conditions. This variant is not present in population databases (gnomAD no frequency). This sequence change replaces valine, which is neutral and non-polar, with isoleucine, which is neutral and non-polar, at codon 365 of the CDH1 protein (p.Val365Ile).

NM_004360.5(CDH1):c.1093G>A (p.Val365Ile)

Gene: CDH1 (cadherin 1; plus strand). Cytogenetic location: 16q22.1.
Variant type: single nucleotide variant.
Coding change: c.1093G>A on transcript NM_004360.5 (MANE Select); coding-DNA position 1093, G replaced by A.
Protein change: p.Val365Ile; replaces valine 365 with isoleucine.
Molecular consequence: missense variant. On other transcripts: 5 prime UTR variant (2).
Genome position (GRCh38, 1-based): chr16:68,812,219, G>A. VCF-style: chr16-68812219-G-A. GRCh37 (hg19) VCF-style: chr16-68846122-G-A.
Other names: c.1093G>A (LRG_301t1); c.1093G>A, p.Val365Ile (NM_001317184.2); c.-523G>A (NM_001317185.2); c.-727G>A (NM_001317186.2); short protein forms V365I.
Identifiers: ClinVar variation 489845 (VCV000489845.14), dbSNP rs1555515742, ClinGen allele CA396460107.